The following is an entry in ClinVar:

NM_014956.5(CEP164):c.4249C>G (p.Arg1417Gly)

Gene: CEP164 (centrosomal protein 164; plus strand). Cytogenetic location: 11q23.3.
Variant type: single nucleotide variant.
Coding change: c.4249C>G on transcript NM_014956.5 (MANE Select); coding-DNA position 4249, C replaced by G.
Protein change: p.Arg1417Gly; replaces arginine 1417 with glycine.
Molecular consequence: missense variant.
Genome position (GRCh38, 1-based): chr11:117,411,880, C>G. VCF-style: chr11-117411880-C-G. GRCh37 (hg19) VCF-style: chr11-117282596-C-G.
Other names: c.4234C>G, p.Arg1412Gly (NM_001271933.2); c.4249C>G (NM_014956.4); short protein forms R1412G, R1417G.
Identifiers: ClinVar variation 3599108 (VCV003599108.2).
Genomic context (GRCh38, chr11:117,411,880, plus strand): 5'-TCCCATTCGCAAGTCCCTGAGGCGGGCAGCACCACCTTTCAGGGCATAATTGAGGCCAAC[C>G]GGAGGTGGCTGGAACGTGTCAAGAATGACCCCAGGTTGTATCCTTTTACCTGGTTCCCAA-3'
Protein context (NP_055771.4, residues 1407-1427): TTFQGIIEAN[Arg1417Gly]RWLERVKNDP

ClinVar aggregate classification (germline): Uncertain significance. Review status: criteria provided, multiple submitters, no conflicts (2 of 4 stars). 2 submissions from 2 submitters: Uncertain significance (2). Last evaluated 2026-06-25.

Conditions:
CEP164-related disorder. Also called: CEP164-related condition.
Nephronophthisis 15 (NPHP15). Identifiers: Orphanet 3156, MedGen C3541853, MONDO:0013917, OMIM 614845.

gnomAD v4.1: 18 of 1,614,006 alleles (0.0011%); highest among the groups gnomAD compares: Non-Finnish European, 0.0015%; no homozygotes.

Submissions (2):

PreventionGenetics, part of Exact Sciences
Classification: Uncertain significance for CEP164-related condition. Last evaluated: 2026-06-25. Review status: criteria provided, single submitter. Criteria: ACMG Guidelines, 2015. Collection method: clinical testing. Allele origin: germline.
Comment: The CEP164 c.4249C>G variant is predicted to result in the amino acid substitution p.Arg1417Gly. To our knowledge, this variant has not been reported in the literature. This variant is reported in 0.00088% of alleles in individuals of European (Non-Finnish) descent in gnomAD. At this time, the clinical significance of this variant is uncertain due to the absence of conclusive functional and genetic evidence.

Fulgent Genetics
Classification: Uncertain significance for Nephronophthisis 15. Last evaluated: 2024-05-25. Review status: criteria provided, single submitter. Criteria: ACMG Guidelines, 2015. Collection method: clinical testing. Allele origin: germline.